The following is an entry in ClinVar:

NM_001355436.2(SPTB):c.3850C>T (p.Gln1284Ter)

Gene: SPTB (spectrin beta, erythrocytic; minus strand). Cytogenetic location: 14q23.3.
Variant type: single nucleotide variant.
Coding change: c.3850C>T on transcript NM_001355436.2 (MANE Select); coding-DNA position 3850, C replaced by T.
Protein change: p.Gln1284Ter; replaces glutamine 1284 with a stop codon.
Molecular consequence: nonsense.
Genome position (GRCh38, 1-based): chr14:64,785,542, G>A on the plus strand (C>T on the coding strand, the complement: SPTB is on the minus strand). VCF-style: chr14-64785542-G-A. GRCh37 (hg19) VCF-style: chr14-65252260-G-A.
Other names: c.3850C>T, p.Gln1284Ter (NM_001024858.4, NM_001355437.2); short protein forms Q1284*.
Identifiers: ClinVar variation 1385339 (VCV001385339.8), dbSNP rs1343304057, ClinGen allele CA390045572.

ClinVar aggregate classification (germline): Pathogenic (1 of 4 stars; one submission).

Submission:

Labcorp Genetics (formerly Invitae), Labcorp
Classification: Pathogenic. Last evaluated: 2025-07-02. Review status: criteria provided, single submitter. Criteria: Invitae Variant Classification Sherloc (09022015). Collection method: clinical testing. Allele origin: germline.
Comment: This sequence change creates a premature translational stop signal (p.Gln1284*) in the SPTB gene. It is expected to result in an absent or disrupted protein product. Loss-of-function variants in SPTB are known to be pathogenic (PMID: 1391962, 1498324, 8844207, 26830532, 27292444). This variant is not present in population databases (gnomAD no frequency). This variant has not been reported in the literature in individuals affected with SPTB-related conditions. ClinVar contains an entry for this variant (Variation ID: 1385339). For these reasons, this variant has been classified as Pathogenic.

Literature cited by the submitters: PubMed 1391962; PubMed 1498324; PubMed 8844207; PubMed 26830532; PubMed 27292444.